The following is an entry in ClinVar:

ClinVar aggregate classification (germline): Uncertain significance (1 of 4 stars; one submission).

Conditions:
Inborn genetic diseases. Identifiers: MedGen C0950123, MeSH D030342.

Submission:

Ambry Genetics
Classification: Uncertain significance for Inborn genetic diseases. Last evaluated: 2026-04-26. Review status: criteria provided, single submitter. Criteria: Ambry Variant Classification Scheme 2023. Collection method: clinical testing. Allele origin: germline.
Comment: The p.P624S variant (also known as c.1870C>T), located in coding exon 15 of the DNMT3A gene, results from a C to T substitution at nucleotide position 1870. The proline at codon 624 is replaced by serine, an amino acid with similar properties. This amino acid position is conserved. In addition, the in silico prediction for this alteration is inconclusive. Based on the available evidence, the clinical significance of this variant remains unclear.

NM_022552.5(DNMT3A):c.1870C>T (p.Pro624Ser)

Gene: DNMT3A (DNA methyltransferase 3 alpha; minus strand). Cytogenetic location: 2p23.3.
Variant type: single nucleotide variant.
Coding change: c.1870C>T on transcript NM_022552.5 (MANE Select); coding-DNA position 1870, C replaced by T.
Protein change: p.Pro624Ser; replaces proline 624 with serine.
Molecular consequence: missense variant. On other transcripts: non-coding transcript variant (1).
Genome position (GRCh38, 1-based): chr2:25,243,964, G>A on the plus strand (C>T on the coding strand, the complement: DNMT3A is on the minus strand). VCF-style: chr2-25243964-G-A. GRCh37 (hg19) VCF-style: chr2-25466833-G-A.
Other names: c.1414C>T, p.Pro472Ser (NM_001320893.1); c.1201C>T, p.Pro401Ser (NM_001375819.1); c.1303C>T, p.Pro435Ser (NM_153759.3); c.1870C>T, p.Pro624Ser (NM_175629.2); short protein forms P401S, P435S, P472S, P624S.
Identifiers: ClinVar variation 4870014 (VCV004870014.1).
Genomic context (GRCh38, chr2:25,243,964, plus strand): 5'-CGATTCCATCAAAGAGAGACAGCACCCGGATGGGCTTCCTCTTCTCAGCTGGGACAGGTG[G>A]GTAAACCTTTGGAGGGTCCTAAGCAGTGAGCACAACAGGTCAGATGCAGGCCCAGCGGTG-3'
Protein context (NP_072046.2, residues 614-634): DQEFDPPKVY[Pro624Ser]PVPAEKRKPI